The following is an entry in ClinVar:

NM_170665.4(ATP2A2):c.220-1G>A

Gene: ATP2A2 (ATPase sarcoplasmic/endoplasmic reticulum Ca2+ transporting 2; plus strand). Cytogenetic location: 12q24.11.
Variant type: single nucleotide variant.
Coding change: c.220-1G>A on transcript NM_170665.4 (MANE Select); the canonical splice acceptor site of the intron before coding-DNA position 220, G replaced by A.
Molecular consequence: splice acceptor variant. On other transcripts: intron variant (1).
Genome position (GRCh38, 1-based): chr12:110,292,019, G>A. VCF-style: chr12-110292019-G-A. GRCh37 (hg19) VCF-style: chr12-110729824-G-A.
Other names: c.-156-1G>A (NM_001413015.1); c.220-1G>A (NM_001413014.1, NM_001681.4); c.220-4580G>A (NM_001413013.1).
Identifiers: ClinVar variation 3061851 (VCV003061851.1), dbSNP rs1873370871, ClinGen allele CA386914457.
Genomic context (GRCh38, chr12:110,292,019, plus strand): 5'-TTTTTAAAAAAGTGACATTAAGCCTAAAAAGACACATTCTAACGTGCCATTTCTCTTCTA[G>A]GTTTTGGCTTGGTTTGAAGAAGGTGAAGAAACAATTACAGCCTTTGTAGAACCTTTTGTA-3'

ClinVar aggregate classification (germline): Likely pathogenic (1 of 4 stars; one submission).

Conditions:
Keratosis follicularis (DAR). Also called: Darier disease; Darier's disease. Identifiers: Orphanet 218, MedGen C0022595, MONDO:0007417, OMIM 124200.

Allele frequency attached by ClinVar (database versions not stated): TOPMed below 0.00001.

Submission:

MVZ Medizinische Genetik Mainz
Classification: Likely pathogenic for Keratosis follicularis. Last evaluated: 2022-07-01. Review status: criteria provided, single submitter. Criteria: UK Practice Guidelines For Variant Classification V4 01 2020. Collection method: clinical testing. Allele origin: germline. Inheritance: Autosomal dominant inheritance. Affected: yes. Observed: 1 variant allele.
Comment: PVS1, PM2_SUP